The following is an entry in ClinVar:

NC_000007.13:g.(?_55218977)_(55219065_?)del

Gene: EGFR (epidermal growth factor receptor; plus strand). Cytogenetic location: 7p11.2.
Variant type: Deletion.
Identifiers: ClinVar variation 3245834 (VCV003245834.1).

ClinVar aggregate classification (germline): Uncertain significance (1 of 4 stars; one submission).

Conditions:
EGFR-related lung cancer (EGFR). Identifiers: MedGen CN130014.

Submission:

Labcorp Genetics (formerly Invitae), Labcorp
Classification: Uncertain significance for EGFR-related lung cancer. Last evaluated: 2023-11-10. Review status: criteria provided, single submitter. Criteria: Invitae Variant Classification Sherloc (09022015). Collection method: clinical testing. Allele origin: unknown.
Comment: This variant is a gross deletion of the genomic region encompassing exon(s) 5 of the EGFR gene. This variant would be expected to be in-frame, preserving the integrity of the reading frame. This variant has not been reported in the literature in individuals affected with EGFR-related conditions. Experimental studies and prediction algorithms are not available or were not evaluated, and the functional significance of this variant is currently unknown. In summary, the available evidence is currently insufficient to determine the role of this variant in disease. Therefore, it has been classified as a Variant of Uncertain Significance.